The following is an entry in ClinVar:

ClinVar aggregate classification (germline): Uncertain significance (1 of 4 stars; one submission).

Submission:

Labcorp Genetics (formerly Invitae), Labcorp
Classification: Uncertain significance. Last evaluated: 2022-09-23. Review status: criteria provided, single submitter. Criteria: Invitae Variant Classification Sherloc (09022015). Collection method: clinical testing. Allele origin: germline.
Comment: This sequence change replaces methionine, which is neutral and non-polar, with arginine, which is basic and polar, at codon 172 of the RORB protein (p.Met172Arg). This variant is not present in population databases (gnomAD no frequency). This variant has not been reported in the literature in individuals affected with RORB-related conditions. Algorithms developed to predict the effect of missense changes on protein structure and function are either unavailable or do not agree on the potential impact of this missense change (SIFT: "Deleterious"; PolyPhen-2: "Benign"; Align-GVGD: "Class C0"). In summary, the available evidence is currently insufficient to determine the role of this variant in disease. Therefore, it has been classified as a Variant of Uncertain Significance.

NM_006914.4(RORB):c.515T>G (p.Met172Arg)

Gene: RORB (RAR related orphan receptor B; plus strand). Cytogenetic location: 9q21.13.
Variant type: single nucleotide variant.
Coding change: c.515T>G on transcript NM_006914.4 (MANE Select); coding-DNA position 515, T replaced by G.
Protein change: p.Met172Arg; replaces methionine 172 with arginine.
Molecular consequence: missense variant.
Genome position (GRCh38, 1-based): chr9:74,642,693, T>G. VCF-style: chr9-74642693-T-G. GRCh37 (hg19) VCF-style: chr9-77257609-T-G.
Other names: c.548T>G, p.Met183Arg (NM_001365023.1); short protein forms M172R, M183R.
Identifiers: ClinVar variation 1716748 (VCV001716748.5), dbSNP rs144622748, ClinGen allele CA373770025.